The following is an entry in ClinVar:

NM_001160148.2(DDHD1):c.1729C>T (p.Arg577Ter)

Gene: DDHD1 (DDHD domain containing 1; minus strand). Cytogenetic location: 14q22.1.
Variant type: single nucleotide variant.
Coding change: c.1729C>T on transcript NM_001160148.2 (MANE Select); coding-DNA position 1729, C replaced by T.
Protein change: p.Arg577Ter; replaces arginine 577 with a stop codon.
Molecular consequence: nonsense.
Genome position (GRCh38, 1-based): chr14:53,062,980, G>A on the plus strand (C>T on the coding strand, the complement: DDHD1 is on the minus strand). VCF-style: chr14-53062980-G-A. GRCh37 (hg19) VCF-style: chr14-53529698-G-A.
Other names: c.1750C>T, p.Arg584Ter (NM_001160147.2); c.1729C>T, p.Arg577Ter (NM_030637.3); short protein forms R577*, R584*.
Identifiers: ClinVar variation 2158823 (VCV002158823.4), dbSNP rs776191400, ClinGen allele CA7191173.

ClinVar aggregate classification (germline): Pathogenic (1 of 4 stars; one submission).

Conditions:
Hereditary spastic paraplegia 28. Also called: Spastic paraplegia 28, autosomal recessive. Identifiers: Orphanet 101008, MedGen C1836295, MONDO:0012256, OMIM 609340.

Allele frequency attached by ClinVar (database versions not stated): TOPMed below 0.00001; gnomAD exomes 0.00001; ExAC 0.00002.
gnomAD v4.1: 11 of 1,613,990 alleles (0.00068%); highest among the groups gnomAD compares: Admixed American, 0.015%; no homozygotes.

Submission:

Labcorp Genetics (formerly Invitae), Labcorp
Classification: Pathogenic for Hereditary spastic paraplegia 28. Last evaluated: 2023-05-24. Review status: criteria provided, single submitter. Criteria: Invitae Variant Classification Sherloc (09022015). Collection method: clinical testing. Allele origin: germline.
Comment: This variant has not been reported in the literature in individuals affected with DDHD1-related conditions. This variant is present in population databases (rs776191400, gnomAD 0.02%). This sequence change creates a premature translational stop signal (p.Arg584*) in the DDHD1 gene. It is expected to result in an absent or disrupted protein product. Loss-of-function variants in DDHD1 are known to be pathogenic (PMID: 23176821, 24989667, 26944165, 27216551). ClinVar contains an entry for this variant (Variation ID: 2158823). For these reasons, this variant has been classified as Pathogenic.

Literature cited by the submitters: PubMed 23176821; PubMed 24989667; PubMed 26944165; PubMed 27216551.